The following is an entry in ClinVar:

NM_001204.7(BMPR2):c.2914A>G (p.Lys972Glu)

Gene: BMPR2 (bone morphogenetic protein receptor type 2; plus strand). Cytogenetic location: 2q33.2.
Variant type: single nucleotide variant.
Coding change: c.2914A>G on transcript NM_001204.7 (MANE Select); coding-DNA position 2914, A replaced by G.
Protein change: p.Lys972Glu; replaces lysine 972 with glutamic acid.
Molecular consequence: missense variant.
Genome position (GRCh38, 1-based): chr2:202,559,743, A>G. VCF-style: chr2-202559743-A-G. GRCh37 (hg19) VCF-style: chr2-203424466-A-G.
Other names: short protein forms K972E.
Identifiers: ClinVar variation 3992235 (VCV003992235.1).

ClinVar aggregate classification (germline): Uncertain significance (1 of 4 stars; one submission).

Conditions:
Inborn genetic diseases. Identifiers: MedGen C0950123, MeSH D030342.

Submission:

Ambry Genetics
Classification: Uncertain significance for Inborn genetic diseases. Last evaluated: 2025-06-14. Review status: criteria provided, single submitter. Criteria: Ambry Variant Classification Scheme 2023. Collection method: clinical testing. Allele origin: germline.
Comment: The p.K972E variant (also known as c.2914A>G), located in coding exon 13 of the BMPR2 gene, results from an A to G substitution at nucleotide position 2914. The lysine at codon 972 is replaced by glutamic acid, an amino acid with similar properties. This amino acid position is conserved. In addition, this alteration is predicted to be deleterious by in silico analysis. Based on the available evidence, the clinical significance of this variant remains unclear.